The following is an entry in ClinVar:

NM_013275.6(ANKRD11):c.2859C>T (p.Asp953=)

Gene: ANKRD11 (ankyrin repeat domain 11; minus strand). Cytogenetic location: 16q24.3.
Variant type: single nucleotide variant.
Coding change: c.2859C>T on transcript NM_013275.6 (MANE Select); coding-DNA position 2859, C replaced by T.
Protein change: p.Asp953=; no amino-acid change (aspartic acid 953 retained).
Molecular consequence: synonymous variant.
Genome position (GRCh38, 1-based): chr16:89,283,683, G>A on the plus strand (C>T on the coding strand, the complement: ANKRD11 is on the minus strand). VCF-style: chr16-89283683-G-A. GRCh37 (hg19) VCF-style: chr16-89350091-G-A.
Other names: c.2859C>T, p.Asp953= (NM_001256182.2, NM_001256183.2).
Identifiers: ClinVar variation 1335233 (VCV001335233.45), dbSNP rs771874534, ClinGen allele CA8242497.
Genomic context (GRCh38, chr16:89,283,683, plus strand): 5'-CCGGTGCGCCTCCTCGGGCTTGGCCCTGCCGTCCCTGCGCTCCTTGCAGCTCTCCAGGGC[G>A]TCCTTTCTGTCCCGCCCGGCCTCTGCGGACTCTCTCCTCTTCTTGTCCTTTTCCGAAAGG-3'
Protein context (NP_037407.4, residues 943-963): ESAEAGRDRK[Asp953=]ALESCKERRD

ClinVar aggregate classification (germline): Likely benign. Review status: criteria provided, multiple submitters, no conflicts (2 of 4 stars). 5 submissions from 5 submitters: Likely benign (5). Last evaluated 2026-07-03.

Conditions:
Inborn genetic diseases. Identifiers: MedGen C0950123, MeSH D030342.
KBG syndrome (KBGS). Also called: ANKRD11-Related KBG Syndrome. Identifiers: Orphanet 2332, MedGen C0220687, MONDO:0007846, OMIM 148050.

Allele frequency attached by ClinVar (database versions not stated): ExAC 0.00003; TOPMed 0.00003; gnomAD exomes 0.00004 and 0.00010; gnomAD 0.00005 and 0.00006.
gnomAD v4.1: 150 of 1,612,718 alleles (0.0093%); highest among the groups gnomAD compares: Non-Finnish European, 0.012%; no homozygotes.

Submissions (5):

Ambry Genetics
Classification: Likely benign for Inborn genetic diseases. Last evaluated: 2026-07-03. Review status: criteria provided, single submitter. Criteria: Ambry Variant Classification Scheme 2023. Collection method: clinical testing. Allele origin: germline.

Labcorp Genetics (formerly Invitae), Labcorp
Classification: Likely benign for KBG syndrome. Last evaluated: 2025-05-27. Review status: criteria provided, single submitter. Criteria: Invitae Variant Classification Sherloc (09022015). Collection method: clinical testing. Allele origin: germline.

Laboratory of Genetics, Children's Clinical University Hospital Latvia
Classification: Likely benign. Last evaluated: 2025-02-16. Review status: criteria provided, single submitter. Criteria: ACMG Guidelines, 2015. Collection method: clinical testing. Allele origin: germline. Affected: yes.

Blueprint Genetics
Classification: Likely benign. Last evaluated: 2024-11-14. Review status: criteria provided, single submitter. Criteria: ACMG Guidelines, 2015. Collection method: clinical testing. Allele origin: germline.

CeGaT Center for Human Genetics Tuebingen
Classification: Likely benign. Last evaluated: 2024-07-01. Review status: criteria provided, single submitter. Criteria: CeGaT Center For Human Genetics Tuebingen Variant Classification Criteria Version 2. Collection method: clinical testing. Allele origin: germline. Affected: yes. Observed: 5 variant alleles.
Comment: ANKRD11: BP4, BP7